The following is an entry in ClinVar:

NM_007294.4(BRCA1):c.1881_1882insCC (p.Ser628fs)

Gene: BRCA1 (BRCA1 DNA repair associated; minus strand). Cytogenetic location: 17q21.31.
Variant type: Insertion.
Coding change: c.1881_1882insCC on transcript NM_007294.4 (MANE Select); coding-DNA positions 1881 to 1882, CC inserted.
Protein change: p.Ser628fs; shifts the reading frame from serine 628.
Molecular consequence: frameshift variant. On other transcripts: intron variant (137).
Genome position: GRCh38 VCF-style: chr17-43093649-T-TGG. GRCh37 (hg19) VCF-style: chr17-41245666-T-TGG.
Other names: 2000insCC; c.1881_1882insCC, p.Ser628fs (NM_007294.3, NM_007300.4, NM_001407581.1 and 31 more transcripts); c.1377_1378insCC, p.Ser460fs (NM_001407965.1); c.993_994insCC, p.Ser332fs (NM_001407966.1, NM_001407967.1); c.1740_1741insCC, p.Ser581fs (NM_007297.4, NM_001407692.1, NM_001407694.1 and 29 more transcripts); c.646+1094_646+1095insCC (NM_001408458.1, NM_001408469.1, NM_001408453.1 and 11 more transcripts); c.283+1094_283+1095insCC (NM_001408512.1); c.406+1094_406+1095insCC (NM_001408510.1); and 41 more; short protein forms S581fs, S628fs, S539fs, S540fs, S557fs, S560fs, S601fs, S625fs.
Identifiers: ClinVar variation 236267 (VCV000236267.3), dbSNP rs878853289, ClinGen allele CA10581603.
Genomic context (GRCh38, chr17:43,093,649, plus strand): 5'-CACTGCTAGAACAACTATCAATTTGCAATTCAGTACAATTAGGTGGGCTTAGATTTCTAC[T>TGG]GACTACTAGTTCAAGCGCATGAATATGCCTGGTAGAAGACTTCCTCCTCAGCCTATTCTT-3'

ClinVar aggregate classification (germline): Pathogenic (3 of 4 stars; one submission).

Conditions:
Breast-ovarian cancer, familial, susceptibility to, 1 (BROVCA1). Also called: BRCA1 Hereditary Breast and Ovarian Cancer; OVARIAN CANCER, SUSCEPTIBILITY TO. Identifiers: Orphanet 145, MedGen C2676676, MONDO:0011450, OMIM 604370. Disease mechanism: loss of function.

Submission:

Evidence-based Network for the Interpretation of Germline Mutant Alleles (ENIGMA)
Classification: Pathogenic for Breast-ovarian cancer, familial, susceptibility to, 1. Last evaluated: 2016-04-22. Review status: reviewed by expert panel. Criteria: ENIGMA BRCA1/2 Classification Criteria (2015). Collection method: curation. Allele origin: germline.
Comment: Variant allele predicted to encode a truncated non-functional protein.